The following is an entry in ClinVar:

NC_000023.11:g.(?_18628351)_(18628607_?)del

Gene: CDKL5 (cyclin dependent kinase like 5; plus strand). Cytogenetic location: Xp22.13.
Variant type: Deletion.
Identifiers: ClinVar variation 832153 (VCV000832153.9).

ClinVar aggregate classification (germline): Pathogenic (1 of 4 stars; one submission).

Conditions:
Developmental and epileptic encephalopathy, 2 (DEE2). Also called: INFANTILE SPASM SYNDROME, X-LINKED 2; CDKL5 deficiency disorder. Identifiers: Orphanet 1934, Orphanet 3451, Orphanet 505652, MedGen C4750718, MONDO:0010396, OMIM 300672.
Angelman syndrome-like. Identifiers: MedGen CN128785.

Submission:

Labcorp Genetics (formerly Invitae), Labcorp
Classification: Pathogenic for Developmental and epileptic encephalopathy, 2; Angelman syndrome-like. Last evaluated: 2020-02-11. Review status: criteria provided, single submitter. Criteria: Invitae Variant Classification Sherloc (09022015). Collection method: clinical testing. Allele origin: germline.
Comment: For these reasons, this variant has been classified as Pathogenic. Loss-of-function variants in CDKL5 are known to be pathogenic (PMID: 22872100). This variant has been observed in individual(s) with CDKL5-related conditions (PMID:16326141, 24715584). This variant is an out-of-frame deletion of the genomic region encompassing exons 18 of the CDKL5 gene. This is expected to create a premature translational stop signal and result in an absent or disrupted protein product.

Literature cited by the submitters: PubMed 22872100; PubMed 16326141; PubMed 24715584.